The following is an entry in ClinVar:

NM_030973.4(MED25):c.1767_1768delinsAT (p.Pro590Ser)

Gene: MED25 (mediator complex subunit 25; plus strand). Cytogenetic location: 19q13.33.
Variant type: Indel.
Coding change: c.1767_1768delinsAT on transcript NM_030973.4 (MANE Select); coding-DNA positions 1767 to 1768, GC replaced by AT.
Protein change: p.Pro590Ser; replaces proline 590 with serine.
Molecular consequence: missense variant.
Genome position (GRCh38, 1-based): chr19:49,835,747-49,835,748, GC replaced by AT. VCF-style: chr19-49835747-GC-AT. GRCh37 (hg19) VCF-style: chr19-50339004-GC-AT.
Other names: c.1767_1768delinsAT, p.Pro590Ser (NM_001378355.1); short protein forms P590S.
Identifiers: ClinVar variation 2420962 (VCV002420962.4), dbSNP rs2514520624, ClinGen allele CA2580097714.

ClinVar aggregate classification (germline): Uncertain significance (1 of 4 stars; one submission).

Conditions:
Charcot-Marie-Tooth disease type 2. Also called: Charcot-Marie-Tooth type 2. Identifiers: Orphanet 64746, MedGen C0270914, MONDO:0018993.

Submission:

Labcorp Genetics (formerly Invitae), Labcorp
Classification: Uncertain significance for Charcot-Marie-Tooth disease type 2. Last evaluated: 2022-06-20. Review status: criteria provided, single submitter. Criteria: Invitae Variant Classification Sherloc (09022015). Collection method: clinical testing. Allele origin: germline.
Comment: In summary, the available evidence is currently insufficient to determine the role of this variant in disease. Therefore, it has been classified as a Variant of Uncertain Significance. Experimental studies and prediction algorithms are not available or were not evaluated, and the functional significance of this variant is currently unknown. This variant has not been reported in the literature in individuals affected with MED25-related conditions. Information on the frequency of this variant in the gnomAD database is not available, as this variant may be reported differently in the database. This sequence change replaces proline, which is neutral and non-polar, with serine, which is neutral and polar, at codon 590 of the MED25 protein (p.Pro590Ser).